The following is an entry in ClinVar:

NM_001198533.2(OXR1):c.1793+4A>G

Gene: OXR1 (oxidation resistance 1; plus strand). Cytogenetic location: 8q23.1.
Variant type: single nucleotide variant.
Coding change: c.1793+4A>G on transcript NM_001198533.2 (MANE Select); 4 bases into the intron after coding-DNA position 1793, A replaced by G.
Molecular consequence: intron variant.
Genome position (GRCh38, 1-based): chr8:106,710,794, A>G. VCF-style: chr8-106710794-A-G. GRCh37 (hg19) VCF-style: chr8-107723022-A-G.
Other names: c.1793+4A>G (NM_018002.3); c.1796+4A>G (NM_001198532.1); c.1772+4A>G (NM_181354.4).
Identifiers: ClinVar variation 2252950 (VCV002252950.2), dbSNP rs1463222564, ClinGen allele CA845166265.
Genomic context (GRCh38, chr8:106,710,794, plus strand): 5'-ACAGTATGCACAGAGAGATAAGAAACATGAATATTGGTTTGCTGTGCCACAAGAAAGGTA[A>G]AAAACCCATACGACACCTTGAGAGCATTATTGAGATTCTTTGAACTAAAATTATTTTGTG-3'

ClinVar aggregate classification (germline): Uncertain significance (1 of 4 stars; one submission).

Conditions:
Inborn genetic diseases. Identifiers: MedGen C0950123, MeSH D030342.

Allele frequency attached by ClinVar (database versions not stated): gnomAD exomes below 0.00001; TOPMed below 0.00001.
gnomAD v4.1: 1 of 1,493,804 alleles (0.000067%); highest among the groups gnomAD compares: Non-Finnish European, 0.00009%; no homozygotes.

Submission:

Ambry Genetics
Classification: Uncertain significance for Inborn genetic diseases. Last evaluated: 2021-11-08. Review status: criteria provided, single submitter. Criteria: Ambry Variant Classification Scheme 2023. Collection method: clinical testing. Allele origin: germline.
Comment: The c.1796+4A>G intronic alteration consists of a A to G substitution 4 nucleotides after exon 9 of the OXR1 gene. Based on insufficient or conflicting evidence, the clinical significance of this alteration remains unclear.